The following is an entry in ClinVar:

NM_001148.6(ANK2):c.2532T>A (p.Asp844Glu)

Gene: ANK2 (ankyrin 2; plus strand). Cytogenetic location: 4q26.
Variant type: single nucleotide variant.
Coding change: c.2532T>A on transcript NM_001148.6 (MANE Select); coding-DNA position 2532, T replaced by A.
Protein change: p.Asp844Glu; replaces aspartic acid 844 with glutamic acid.
Molecular consequence: missense variant.
Genome position (GRCh38, 1-based): chr4:113,302,823, T>A. VCF-style: chr4-113302823-T-A. GRCh37 (hg19) VCF-style: chr4-114223979-T-A.
Other names: c.2469T>A, p.Asp823Glu (NM_001354255.2, NM_001354256.2, NM_001354262.2 and 10 more transcripts); c.2370T>A, p.Asp790Glu (NM_001354257.2, NM_001354253.2, NM_001354270.2 and 1 more transcripts); c.2532T>A, p.Asp844Glu (NM_001354258.2, NM_001354265.2, NM_001354225.2 and 6 more transcripts); c.2346T>A, p.Asp782Glu (NM_001354260.2, NM_001354271.2, NM_001386151.1); c.2490T>A, p.Asp830Glu (NM_001354261.2, NM_001386147.1, NM_001386160.1); c.2445T>A, p.Asp815Glu (NM_001354264.2, NM_001354266.2, NM_001354276.2 and 10 more transcripts); c.2247T>A, p.Asp749Glu (NM_001354277.2, NM_001386157.1); c.159T>A, p.Asp53Glu (NM_001354278.2, NM_001354279.2, NM_001354280.2 and 2 more transcripts); and 9 more; short protein forms D53E, D774E, D790E, D853E, D830E, D832E, D716E, D778E.
Identifiers: ClinVar variation 2801848 (VCV002801848.3), dbSNP rs565066932, ClinGen allele CA357923680.

ClinVar aggregate classification (germline): Uncertain significance (1 of 4 stars; one submission).

Conditions:
Long QT syndrome (LQTS). Identifiers: MedGen C0023976, MeSH D008133, MONDO:0002442. Disease mechanism: loss of function. Inheritance: Various modes of inheritance.

Allele frequency attached by ClinVar (database versions not stated): gnomAD exomes below 0.00001.
gnomAD v4.1: 1 of 1,613,632 alleles (0.000062%); highest among the groups gnomAD compares: South Asian, 0.0011%; no homozygotes.

Submission:

Labcorp Genetics (formerly Invitae), Labcorp
Classification: Uncertain significance for Long QT syndrome. Last evaluated: 2022-12-25. Review status: criteria provided, single submitter. Criteria: Invitae Variant Classification Sherloc (09022015). Collection method: clinical testing. Allele origin: germline.
Comment: This sequence change replaces aspartic acid, which is acidic and polar, with glutamic acid, which is acidic and polar, at codon 844 of the ANK2 protein (p.Asp844Glu). This variant is not present in population databases (gnomAD no frequency). This variant has not been reported in the literature in individuals affected with ANK2-related conditions. Advanced modeling of protein sequence and biophysical properties (such as structural, functional, and spatial information, amino acid conservation, physicochemical variation, residue mobility, and thermodynamic stability) performed at Invitae indicates that this missense variant is not expected to disrupt ANK2 protein function. In summary, the available evidence is currently insufficient to determine the role of this variant in disease. Therefore, it has been classified as a Variant of Uncertain Significance.